The following is an entry in ClinVar:

ClinVar aggregate classification (germline): Conflicting classifications of pathogenicity. Review status: criteria provided, conflicting classifications (1 of 4 stars). 2 submissions from 2 submitters: Likely pathogenic (1); Uncertain significance (1). Last evaluated 2024-03-25.

Conditions:
Joubert syndrome 20 (JBTS20). Identifiers: Orphanet 475, MedGen C3554235, MONDO:0013994, OMIM 614970.
TMEM231-related disorder. Also called: TMEM231-related condition.

Submissions (2):

Genomic Medicine Center of Excellence, King Faisal Specialist Hospital and Research Centre
Classification: Uncertain significance for Joubert syndrome 20. Last evaluated: 2024-03-25. Review status: criteria provided, single submitter. Criteria: ACMG Guidelines, 2015. Collection method: research. Allele origin: germline.

PreventionGenetics, part of Exact Sciences
Classification: Likely pathogenic for TMEM231-related condition. Last evaluated: 2023-06-06. Review status: criteria provided, single submitter. Criteria: ACMG Guidelines, 2015. Collection method: clinical testing. Allele origin: germline.
Comment: The TMEM231 c.823+1G>A variant is predicted to disrupt the GT donor site and interfere with normal splicing. To our knowledge, this variant has not been reported in the literature. This variant is reported in 0.0018% of alleles in individuals of European (Non-Finnish) descent in gnomAD. Variants that disrupt the consensus splice donor site in TMEM231 are expected to be pathogenic. This variant is interpreted as likely pathogenic.

NM_001077418.3(TMEM231):c.664+1G>A

Gene: TMEM231 (transmembrane protein 231; minus strand). Cytogenetic location: 16q23.1.
Variant type: single nucleotide variant.
Coding change: c.664+1G>A on transcript NM_001077418.3 (MANE Select); the canonical splice donor site of the intron after coding-DNA position 664, G replaced by A.
Molecular consequence: splice donor variant.
Genome position (GRCh38, 1-based): chr16:75,542,601, C>T on the plus strand (G>A on the coding strand, the complement: TMEM231 is on the minus strand). VCF-style: chr16-75542601-C-T. GRCh37 (hg19) VCF-style: chr16-75576499-C-T.
Other names: c.823+1G>A (NM_001077416.2).
Identifiers: ClinVar variation 2636606 (VCV002636606.3), dbSNP rs1481891893, ClinGen allele CA396804611.